The following is an entry in ClinVar:

NM_153603.4(COG7):c.108C>A (p.His36Gln)

Genes: COG7 (component of oligomeric golgi complex 7; minus strand), LOC130058658 (ATAC-STARR-seq lymphoblastoid active region 10580; plus strand). Cytogenetic location: 16p12.2.
Variant type: single nucleotide variant.
Coding change: c.108C>A on transcript NM_153603.4 (MANE Select); coding-DNA position 108, C replaced by A.
Protein change: p.His36Gln; replaces histidine 36 with glutamine.
Molecular consequence: missense variant.
Genome position (GRCh38, 1-based): chr16:23,452,887, G>T on the plus strand (C>A on the coding strand, the complement: COG7 is on the minus strand). VCF-style: chr16-23452887-G-T. GRCh37 (hg19) VCF-style: chr16-23464208-G-T.
Other names: short protein forms H36Q.
Identifiers: ClinVar variation 1992483 (VCV001992483.4), dbSNP rs2506685922, ClinGen allele CA395118311.

ClinVar aggregate classification (germline): Uncertain significance (1 of 4 stars; one submission).

Conditions:
COG7 congenital disorder of glycosylation (CDG2E). Also called: CONGENITAL DISORDER OF GLYCOSYLATION, TYPE IIe; CDG IIe. Identifiers: Orphanet 79333, MedGen C2931010, MONDO:0012118, OMIM 608779.

Allele frequency attached by ClinVar (database versions not stated): gnomAD exomes below 0.00001.
gnomAD v4.1: 1 of 1,614,000 alleles (0.000062%); highest among the groups gnomAD compares: South Asian, 0.0011%; no homozygotes.

Submission:

Labcorp Genetics (formerly Invitae), Labcorp
Classification: Uncertain significance for COG7 congenital disorder of glycosylation. Last evaluated: 2022-05-14. Review status: criteria provided, single submitter. Criteria: Invitae Variant Classification Sherloc (09022015). Collection method: clinical testing. Allele origin: germline.
Comment: In summary, the available evidence is currently insufficient to determine the role of this variant in disease. Therefore, it has been classified as a Variant of Uncertain Significance. Algorithms developed to predict the effect of missense changes on protein structure and function are either unavailable or do not agree on the potential impact of this missense change (SIFT: "Tolerated"; PolyPhen-2: "Probably Damaging"; Align-GVGD: "Class C0"). This variant has not been reported in the literature in individuals affected with COG7-related conditions. This variant is not present in population databases (gnomAD no frequency). This sequence change replaces histidine, which is basic and polar, with glutamine, which is neutral and polar, at codon 36 of the COG7 protein (p.His36Gln).